The following is an entry in ClinVar:

NM_004268.5(MED17):c.1025C>G (p.Ser342Cys)

Gene: MED17 (mediator complex subunit 17; plus strand). Cytogenetic location: 11q21.
Variant type: single nucleotide variant.
Coding change: c.1025C>G on transcript NM_004268.5 (MANE Select); coding-DNA position 1025, C replaced by G.
Protein change: p.Ser342Cys; replaces serine 342 with cysteine.
Molecular consequence: missense variant.
Genome position (GRCh38, 1-based): chr11:93,796,422, C>G. VCF-style: chr11-93796422-C-G. GRCh37 (hg19) VCF-style: chr11-93529588-C-G.
Other names: short protein forms S342C.
Identifiers: ClinVar variation 1405067 (VCV001405067.6), dbSNP rs779493418, ClinGen allele CA382357246.
Genomic context (GRCh38, chr11:93,796,422, plus strand): 5'-TCCATATTTCAGGTTATTTACATATGTCCTCCTTCTTTTTATAAATAGGCTTGCAGTTAT[C>G]TATTTCTTTGTGCCATTCCTCAAATGATAAGAAATCCCAAAAATTTGCTACTGAGAAGCA-3'
Protein context (NP_004259.3, residues 332-352): ISQPFPSLQL[Ser342Cys]ISLCHSSNDK

ClinVar aggregate classification (germline): Uncertain significance (1 of 4 stars; one submission).

Allele frequency attached by ClinVar (database versions not stated): gnomAD exomes below 0.00001; gnomAD 0.00001; TOPMed 0.00001.
gnomAD v4.1: 5 of 1,612,532 alleles (0.00031%); highest among the groups gnomAD compares: Admixed American, 0.0017%; no homozygotes.

Submission:

Labcorp Genetics (formerly Invitae), Labcorp
Classification: Uncertain significance. Last evaluated: 2022-07-26. Review status: criteria provided, single submitter. Criteria: Invitae Variant Classification Sherloc (09022015). Collection method: clinical testing. Allele origin: germline.
Comment: This sequence change replaces serine, which is neutral and polar, with cysteine, which is neutral and slightly polar, at codon 342 of the MED17 protein (p.Ser342Cys). This variant is not present in population databases (gnomAD no frequency). This variant has not been reported in the literature in individuals affected with MED17-related conditions. ClinVar contains an entry for this variant (Variation ID: 1405067). Algorithms developed to predict the effect of missense changes on protein structure and function (SIFT, PolyPhen-2, Align-GVGD) all suggest that this variant is likely to be tolerated. In summary, the available evidence is currently insufficient to determine the role of this variant in disease. Therefore, it has been classified as a Variant of Uncertain Significance.